The following is an entry in ClinVar:

ClinVar aggregate classification (germline): Uncertain significance (1 of 4 stars; one submission).

gnomAD v4.1: 1 of 1,587,684 alleles (0.000063%); no homozygotes.

Submission:

CeGaT Center for Human Genetics Tuebingen
Classification: Uncertain significance. Last evaluated: 2024-01-01. Review status: criteria provided, single submitter. Criteria: CeGaT Center For Human Genetics Tuebingen Variant Classification Criteria Version 2. Collection method: clinical testing. Allele origin: germline. Affected: yes. Observed: 1 variant allele.
Comment: CUX2: PM2, BP4

NM_015267.4(CUX2):c.2245G>C (p.Glu749Gln)

Gene: CUX2 (cut like homeobox 2; plus strand). Cytogenetic location: 12q24.12.
Variant type: single nucleotide variant.
Coding change: c.2245G>C on transcript NM_015267.4 (MANE Select); coding-DNA position 2245, G replaced by C.
Protein change: p.Glu749Gln; replaces glutamic acid 749 with glutamine.
Molecular consequence: missense variant.
Genome position (GRCh38, 1-based): chr12:111,320,254, G>C. VCF-style: chr12-111320254-G-C. GRCh37 (hg19) VCF-style: chr12-111758058-G-C.
Other names: c.2059G>C, p.Glu687Gln (NM_001370598.1); short protein forms E687Q, E749Q.
Identifiers: ClinVar variation 3025972 (VCV003025972.22), dbSNP rs2499867239, ClinGen allele CA386712283.